The following is an entry in ClinVar:

ClinVar aggregate classification (germline): Likely benign (1 of 4 stars; one submission).

Allele frequency attached by ClinVar (database versions not stated): ExAC 0.00021.

Submission:

CeGaT Center for Human Genetics Tuebingen
Classification: Likely benign. Last evaluated: 2023-08-01. Review status: criteria provided, single submitter. Criteria: CeGaT Center For Human Genetics Tuebingen Variant Classification Criteria Version 2. Collection method: clinical testing. Allele origin: germline. Affected: yes. Observed: 1 variant allele.
Comment: KCNK13: BP4, BP7

NM_022054.4(KCNK13):c.15T>G (p.Gly5=)

Gene: KCNK13 (potassium two pore domain channel subfamily K member 13; plus strand). Cytogenetic location: 14q32.11.
Variant type: single nucleotide variant.
Coding change: c.15T>G on transcript NM_022054.4 (MANE Select); coding-DNA position 15, T replaced by G.
Protein change: p.Gly5=; no amino-acid change (glycine 5 retained).
Molecular consequence: synonymous variant.
Genome position (GRCh38, 1-based): chr14:90,062,220, T>G. VCF-style: chr14-90062220-T-G. GRCh37 (hg19) VCF-style: chr14-90528564-T-G.
Identifiers: ClinVar variation 2644446 (VCV002644446.24), dbSNP rs747969363, ClinGen allele CA7304153.